The following is an entry in ClinVar:

NM_001256545.2(MEGF10):c.1839G>A (p.Arg613=)

Gene: MEGF10 (multiple EGF like domains 10; plus strand). Cytogenetic location: 5q23.2.
Variant type: single nucleotide variant.
Coding change: c.1839G>A on transcript NM_001256545.2 (MANE Select); coding-DNA position 1839, G replaced by A.
Protein change: p.Arg613=; no amino-acid change (arginine 613 retained).
Molecular consequence: synonymous variant.
Genome position (GRCh38, 1-based): chr5:127,433,508, G>A. VCF-style: chr5-127433508-G-A. GRCh37 (hg19) VCF-style: chr5-126769200-G-A.
Other names: c.1839G>A, p.Arg613= (NM_032446.3).
Identifiers: ClinVar variation 262066 (VCV000262066.11), dbSNP rs199930517, ClinGen allele CA3391738.

ClinVar aggregate classification (germline): Conflicting classifications of pathogenicity. Review status: criteria provided, conflicting classifications (1 of 4 stars). 3 submissions from 3 submitters: Uncertain significance (1); Likely benign (2). Last evaluated 2022-04-07.

Conditions:
MEGF10-related myopathy (CMYO10A). Also called: Congenital myopathy 10A, severe variant. Identifiers: Orphanet 439212, MedGen C3280679, MONDO:0013731, OMIM 614399.

Allele frequency attached by ClinVar (database versions not stated): gnomAD 0.00011; gnomAD exomes 0.00022 and 0.00005; ESP Exome Variant Server 0.00008; ExAC 0.00004; TOPMed 0.00011.
gnomAD v4.1: 341 of 1,598,972 alleles (0.021%); highest among the groups gnomAD compares: Non-Finnish European, 0.027%; no homozygotes.

Submissions (3):

Labcorp Genetics (formerly Invitae), Labcorp
Classification: Uncertain significance for MEGF10-related myopathy. Last evaluated: 2022-04-07. Review status: criteria provided, single submitter. Criteria: Invitae Variant Classification Sherloc (09022015). Collection method: clinical testing. Allele origin: germline.
Comment: This sequence change affects codon 613 of the MEGF10 mRNA. It is a 'silent' change, meaning that it does not change the encoded amino acid sequence of the MEGF10 protein. It affects a nucleotide within the consensus splice site. This variant is present in population databases (rs199930517, gnomAD 0.01%). This variant has not been reported in the literature in individuals affected with MEGF10-related conditions. ClinVar contains an entry for this variant (Variation ID: 262066). Algorithms developed to predict the effect of sequence changes on RNA splicing suggest that this variant is not likely to affect RNA splicing. In summary, the available evidence is currently insufficient to determine the role of this variant in disease. Therefore, it has been classified as a Variant of Uncertain Significance.

GeneDx
Classification: Likely benign. Last evaluated: 2020-12-18. Review status: criteria provided, single submitter. Criteria: GeneDx Variant Classification Process June 2021. Collection method: clinical testing. Allele origin: germline. Affected: yes.

PreventionGenetics, part of Exact Sciences
Classification: Likely benign. Review status: criteria provided, single submitter. Criteria: ACMG Guidelines, 2015. Collection method: clinical testing. Allele origin: germline.